The following is an entry in ClinVar:

ClinVar aggregate classification (germline): Likely benign. Review status: criteria provided, multiple submitters, no conflicts (2 of 4 stars). 2 submissions from 2 submitters: Likely benign (2). Last evaluated 2025-09-22.

Allele frequency attached by ClinVar (database versions not stated): gnomAD exomes 0.00007; gnomAD 0.00008; TOPMed 0.00009; ExAC 0.00015; ESP Exome Variant Server 0.00031.
gnomAD v4.1: 127 of 1,613,612 alleles (0.0079%); highest among the groups gnomAD compares: Non-Finnish European, 0.0015%; no homozygotes.

Submissions (2):

Labcorp Genetics (formerly Invitae), Labcorp
Classification: Likely benign. Last evaluated: 2025-09-22. Review status: criteria provided, single submitter. Criteria: Invitae Variant Classification Sherloc (09022015). Collection method: clinical testing. Allele origin: germline.

CeGaT Center for Human Genetics Tuebingen
Classification: Likely benign. Last evaluated: 2023-11-01. Review status: criteria provided, single submitter. Criteria: CeGaT Center For Human Genetics Tuebingen Variant Classification Criteria Version 2. Collection method: clinical testing. Allele origin: germline. Affected: yes. Observed: 1 variant allele.
Comment: PLVAP: BP4

NM_031310.3(PLVAP):c.796G>C (p.Ala266Pro)

Gene: PLVAP (plasmalemma vesicle associated protein; minus strand). Cytogenetic location: 19p13.11.
Variant type: single nucleotide variant.
Coding change: c.796G>C on transcript NM_031310.3 (MANE Select); coding-DNA position 796, G replaced by C.
Protein change: p.Ala266Pro; replaces alanine 266 with proline.
Molecular consequence: missense variant.
Genome position (GRCh38, 1-based): chr19:17,365,669, C>G on the plus strand (G>C on the coding strand, the complement: PLVAP is on the minus strand). VCF-style: chr19-17365669-C-G. GRCh37 (hg19) VCF-style: chr19-17476478-C-G.
Other names: short protein forms A266P.
Identifiers: ClinVar variation 2062220 (VCV002062220.27), dbSNP rs61739312, ClinGen allele CA9293966.